The following is an entry in ClinVar:

ClinVar aggregate classification (germline): Benign. Review status: criteria provided, multiple submitters, no conflicts (2 of 4 stars). 11 submissions from 11 submitters: Benign (9). 2 of the submissions do not count toward it. Last evaluated 2026-02-04.

Conditions:
Congenital hyperammonemia, type I. Also called: Carbamoyl phosphate synthetase 1 deficiency; Hyperammonemia due to carbamoyl phosphate synthetase 1 deficiency; CPS 1 deficiency; Carbamyl phosphate synthetase (CPS) deficiency; Carbamoyl phosphate synthetase I deficiency disease; Carbamoyl-phosphate synthase I deficiency. Identifiers: Orphanet 147, MedGen C4082171, MONDO:0009376, OMIM 237300.

Allele frequency attached by ClinVar (database versions not stated): 1000 Genomes Project 0.01937; 1000 Genomes Project 30x 0.02186; TOPMed 0.03118; gnomAD 0.03186 and 0.03250; gnomAD exomes 0.03307 and 0.04428; ESP Exome Variant Server 0.03737.
gnomAD v4.1: 69,209 of 1,611,978 alleles (4.3%); highest among the groups gnomAD compares: Non-Finnish European, 5.1%; 1,727 homozygotes.

Submissions (11):

Labcorp Genetics (formerly Invitae), Labcorp
Classification: Benign for Congenital hyperammonemia, type I. Last evaluated: 2026-02-04. Review status: criteria provided, single submitter. Criteria: Invitae Variant Classification Sherloc (09022015). Collection method: clinical testing. Allele origin: germline.

Mayo Clinic Laboratories, Mayo Clinic
Classification: Benign. Last evaluated: 2025-07-08. Review status: criteria provided, single submitter. Criteria: ACMG Guidelines, 2015. Collection method: clinical testing. Allele origin: germline. Observed: 9 variant alleles.
Comment: BS1, BS2, BP4, BP7

Women's Health and Genetics/Laboratory Corporation of America, LabCorp
Classification: Benign. Last evaluated: 2019-03-14. Review status: criteria provided, single submitter. Criteria: LabCorp Variant Classification Summary - May 2015. Collection method: clinical testing. Allele origin: germline.
Comment: Variant summary: CPS1 c.4275-10A>G alters a non-conserved nucleotide located close to a canonical splice site and therefore could affect mRNA splicing, leading to a significantly altered protein sequence. 5/5 computational tools predict no significant impact on normal splicing. However, these predictions have yet to be confirmed by functional studies. The variant allele was found at a frequency of 0.033 in 276886 control chromosomes, predominantly at a frequency of 0.048 within the Non-Finnish European subpopulation in the gnomAD database, including 165 homozygotes (gnomAD). The observed variant frequency within Non-Finnish European control individuals in the gnomAD database is approximately 30 fold of the estimated maximal expected allele frequency for a pathogenic variant in CPS1 causing Carbamoylphosphate Synthetase I Deficiency phenotype (0.0016), strongly suggesting that the variant is a benign polymorphism found primarily in populations of Non-Finnish European origin. To our knowledge, no occurrence of c.4275-10A>G in individuals affected with Carbamoylphosphate Synthetase I Deficiency and no experimental evidence demonstrating its impact on protein function have been reported. Three clinical diagnostic laboratories have submitted clinical-significance assessments for this variant to ClinVar after 2014 without evidence for independent evaluation. All laboratories classified the variant as benign/likely benign. Based on the evidence outlined above, the variant was classified as benign.

Illumina Laboratory Services, Illumina
Classification: Benign for Congenital hyperammonemia, type I. Last evaluated: 2018-01-13. Review status: criteria provided, single submitter. Criteria: ICSL Variant Classification Criteria 13 December 2019. Collection method: clinical testing. Allele origin: germline.
Comment: This variant was observed in the ICSL laboratory as part of a predisposition screen in an ostensibly healthy population. It had not been previously curated by ICSL or reported in the Human Gene Mutation Database (HGMD: prior to June 1st, 2018), and was therefore a candidate for classification through an automated scoring system. Utilizing variant allele frequency, disease prevalence and penetrance estimates, and inheritance mode, an automated score was calculated to assess if this variant is too frequent to cause the disease. Based on the score and internal cut-off values, a variant classified as benign is not then subjected to further curation. The score for this variant resulted in a classification of benign for this disease.

Clinical Genetics DNA and cytogenetics Diagnostics Lab, Erasmus MC, Erasmus Medical Center
Classification: Benign for Congenital hyperammonemia, type I. Last evaluated: 2017-05-31. Review status: criteria provided, single submitter. Criteria: ACGS Guidelines, 2013. Collection method: clinical testing. Allele origin: germline. Affected: yes. Study: VKGL Data-share Consensus.

Genome Diagnostics Laboratory, University Medical Center Utrecht
Classification: Benign for Congenital hyperammonemia, type I. Last evaluated: 2014-10-09. Review status: criteria provided, single submitter. Criteria: ACGS Guidelines, 2013. Collection method: clinical testing. Allele origin: germline. Affected: yes. Study: VKGL Data-share Consensus.

GeneDx
Classification: Benign. Last evaluated: 2014-07-10. Review status: criteria provided, single submitter. Criteria: GeneDx Variant Classification (06012015). Collection method: clinical testing. Allele origin: germline. Affected: yes.
Comment: This variant is considered likely benign or benign based on one or more of the following criteria: it is a conservative change, it occurs at a poorly conserved position in the protein, it is predicted to be benign by multiple in silico algorithms, and/or has population frequency not consistent with disease.

Breakthrough Genomics
Classification: Benign. Review status: criteria provided, single submitter. Criteria: ACMG Guidelines, 2015. Collection method: not provided. Allele origin: germline. Inheritance: Autosomal recessive inheritance. Affected: yes.

PreventionGenetics, part of Exact Sciences
Classification: Benign. Review status: criteria provided, single submitter. Criteria: ACMG Guidelines, 2015. Collection method: clinical testing. Allele origin: germline.

Natera, Inc.
Classification: Benign for Carbamoyl-phosphate synthase I deficiency. Last evaluated: 2020-09-16. Review status: no assertion criteria provided. Collection method: clinical testing. Allele origin: germline. Not counted in ClinVar's aggregate classification.

Clinical Genetics, Academic Medical Center
Classification: Benign. Review status: no assertion criteria provided. Collection method: clinical testing. Allele origin: germline. Affected: yes. Study: VKGL Data-share Consensus. Not counted in ClinVar's aggregate classification.

NM_001875.5(CPS1):c.4275-10A>G

Gene: CPS1 (carbamoyl-phosphate synthase 1; plus strand). Cytogenetic location: 2q34.
Variant type: single nucleotide variant.
Coding change: c.4275-10A>G on transcript NM_001875.5 (MANE Select); 10 bases into the intron before coding-DNA position 4275, A replaced by G.
Molecular consequence: intron variant.
Genome position (GRCh38, 1-based): chr2:210,676,997, A>G. VCF-style: chr2-210676997-A-G. GRCh37 (hg19) VCF-style: chr2-211541721-A-G.
Other names: p.?; c.4275-10A>G (LRG_336t1, NM_001369257.1, NM_001122633.3); c.4308-10A>G (NM_001369256.1).
Identifiers: ClinVar variation 203646 (VCV000203646.23), dbSNP rs41272673, ClinGen allele CA312387.